The following is an entry in ClinVar:

ClinVar aggregate classification (germline): Uncertain significance. Review status: criteria provided, multiple submitters, no conflicts (2 of 4 stars). 2 submissions from 2 submitters: Uncertain significance (2). Last evaluated 2024-12-22.

Conditions:
Baller-Gerold syndrome (BGS). Also called: CRANIOSYNOSTOSIS WITH RADIAL DEFECTS. Identifiers: Orphanet 1225, MedGen C0265308, MONDO:0009039, OMIM 218600.
Inborn genetic diseases. Identifiers: MedGen C0950123, MeSH D030342.

Allele frequency attached by ClinVar (database versions not stated): gnomAD 0.00001; gnomAD exomes 0.00001.
gnomAD v4.1: 8 of 1,578,576 alleles (0.00051%); highest among the groups gnomAD compares: South Asian, 0.0012%; no homozygotes.

Submissions (2):

Ambry Genetics
Classification: Uncertain significance for Inborn genetic diseases. Last evaluated: 2024-12-22. Review status: criteria provided, single submitter. Criteria: Ambry Variant Classification Scheme 2023. Collection method: clinical testing. Allele origin: germline.
Comment: The p.G146E variant (also known as c.437G>A), located in coding exon 5 of the RECQL4 gene, results from a G to A substitution at nucleotide position 437. The glycine at codon 146 is replaced by glutamic acid, an amino acid with similar properties. This amino acid position is conserved. In addition, this alteration is predicted to be tolerated by in silico analysis. Based on the available evidence, the clinical significance of this variant remains unclear.

Labcorp Genetics (formerly Invitae), Labcorp
Classification: Uncertain significance for Baller-Gerold syndrome. Last evaluated: 2024-04-16. Review status: criteria provided, single submitter. Criteria: Invitae Variant Classification Sherloc (09022015). Collection method: clinical testing. Allele origin: germline.
Comment: This sequence change replaces glycine, which is neutral and non-polar, with glutamic acid, which is acidic and polar, at codon 146 of the RECQL4 protein (p.Gly146Glu). This variant is not present in population databases (gnomAD no frequency). This variant has not been reported in the literature in individuals affected with RECQL4-related conditions. ClinVar contains an entry for this variant (Variation ID: 650684). Advanced modeling of protein sequence and biophysical properties (such as structural, functional, and spatial information, amino acid conservation, physicochemical variation, residue mobility, and thermodynamic stability) performed at Invitae indicates that this missense variant is not expected to disrupt RECQL4 protein function with a negative predictive value of 80%. In summary, the available evidence is currently insufficient to determine the role of this variant in disease. Therefore, it has been classified as a Variant of Uncertain Significance.

NM_004260.4(RECQL4):c.437G>A (p.Gly146Glu)

Gene: RECQL4 (RecQ like helicase 4; minus strand). Cytogenetic location: 8q24.3.
Variant type: single nucleotide variant.
Coding change: c.437G>A on transcript NM_004260.4 (MANE Select); coding-DNA position 437, G replaced by A.
Protein change: p.Gly146Glu; replaces glycine 146 with glutamic acid.
Molecular consequence: missense variant.
Genome position (GRCh38, 1-based): chr8:144,516,682, C>T on the plus strand (G>A on the coding strand, the complement: RECQL4 is on the minus strand). VCF-style: chr8-144516682-C-T. GRCh37 (hg19) VCF-style: chr8-145742066-C-T.
Other names: short protein forms G146E.
Identifiers: ClinVar variation 650684 (VCV000650684.8), dbSNP rs1464115370, ClinGen allele CA372691491.